The following is an entry in ClinVar:

NM_012213.3(MLYCD):c.683A>G (p.Lys228Arg)

Gene: MLYCD (malonyl-CoA decarboxylase; plus strand). Cytogenetic location: 16q23.3.
Variant type: single nucleotide variant.
Coding change: c.683A>G on transcript NM_012213.3 (MANE Select); coding-DNA position 683, A replaced by G.
Protein change: p.Lys228Arg; replaces lysine 228 with arginine.
Molecular consequence: missense variant.
Genome position (GRCh38, 1-based): chr16:83,908,167, A>G. VCF-style: chr16-83908167-A-G. GRCh37 (hg19) VCF-style: chr16-83941772-A-G.
Other names: short protein forms K228R.
Identifiers: ClinVar variation 5005646 (VCV005005646.2).

ClinVar aggregate classification (germline): Uncertain significance (1 of 4 stars; one submission).

Conditions:
Deficiency of malonyl-CoA decarboxylase. Also called: Malonic aciduria; MCD deficiency. Identifiers: Orphanet 943, MedGen C0342793, MONDO:0009556, OMIM 248360.

Submission:

Juno Genomics, Hangzhou Juno Genomics, Inc
Classification: Uncertain significance for Deficiency of malonyl-CoA decarboxylase. Review status: criteria provided, single submitter. Criteria: ACMG Guidelines, 2015. Collection method: clinical testing. Allele origin: germline.
Comment: Absent from controls (or at extremely low frequency if recessive) in Genome Aggregation Database.;Multiple lines of computational evidence support a deleterious effect on the gene or gene product.